The following is an entry in ClinVar:

ClinVar aggregate classification (germline): Uncertain significance (1 of 4 stars; one submission).

Conditions:
Ehlers-Danlos syndrome, classic type, 1 (EDSCL1). Also called: EHLERS-DANLOS SYNDROME, GRAVIS TYPE; EHLERS-DANLOS SYNDROME, SEVERE CLASSIC TYPE; Ehlers-Danlos syndrome, type 1; Ehlers-Danlos Syndrome, Classic Type, COL5A1-Related; EDS I. Identifiers: MedGen C0268335, MONDO:0019567, OMIM 130000.
Osteogenesis imperfecta type I (OI1). Also called: OI, TYPE I; OSTEOGENESIS IMPERFECTA TARDA; OSTEOGENESIS IMPERFECTA WITH BLUE SCLERAE; Osteogenesis imperfecta type 1; Lobstein's Disease; Lobstein disease. Identifiers: Orphanet 216796, Orphanet 666, MedGen C0023931, MONDO:0008146, OMIM 166200. Disease mechanism: loss of function.

Submission:

Labcorp Genetics (formerly Invitae), Labcorp
Classification: Uncertain significance for Osteogenesis imperfecta type I; Ehlers-Danlos syndrome, classic type, 1. Last evaluated: 2026-01-11. Review status: criteria provided, single submitter. Criteria: Invitae Variant Classification Sherloc (09022015). Collection method: clinical testing. Allele origin: germline.
Comment: This sequence change replaces methionine, which is neutral and non-polar, with isoleucine, which is neutral and non-polar, at codon 417 of the COL1A2 protein (p.Met417Ile). This variant also falls at the last nucleotide of exon 22, which is part of the consensus splice site for this exon. This variant is present in population databases (no rsID available, gnomAD 0.0009%). This variant has not been reported in the literature in individuals affected with COL1A2-related conditions. An algorithm developed to predict the effect of missense changes on protein structure and function (PolyPhen-2) suggests that this variant is likely to be disruptive. Variants that disrupt the consensus splice site are a relatively common cause of aberrant splicing (PMID: 17576681, 9536098). In summary, the available evidence is currently insufficient to determine the role of this variant in disease. Therefore, it has been classified as a Variant of Uncertain Significance.

Literature cited by the submitters: PubMed 17576681; PubMed 9536098.

NM_000089.4(COL1A2):c.1251G>A (p.Met417Ile)

Gene: COL1A2 (collagen type I alpha 2 chain; plus strand). Cytogenetic location: 7q21.3.
Variant type: single nucleotide variant.
Coding change: c.1251G>A on transcript NM_000089.4 (MANE Select); coding-DNA position 1251, G replaced by A.
Protein change: p.Met417Ile; replaces methionine 417 with isoleucine.
Molecular consequence: missense variant.
Genome position (GRCh38, 1-based): chr7:94,410,942, G>A. VCF-style: chr7-94410942-G-A. GRCh37 (hg19) VCF-style: chr7-94040254-G-A.
Other names: short protein forms M417I.
Identifiers: ClinVar variation 4782681 (VCV004782681.1).
Genomic context (GRCh38, chr7:94,410,942, plus strand): 5'-CTTGCAGGGTAGTCCTGGTTCTCGTGGTCTTCCTGGAGCTGATGGCAGAGCTGGCGTCAT[G>A]GTAAGCTGTCTATCACTTACTTCCTAGAAAGGGGCTTGCTGCTTCTGGTGGTGGGTGTGT-3'
Protein context (NP_000080.2, residues 407-427): LPGADGRAGV[Met417Ile]GPPGSRGASG